The following is an entry in ClinVar:

NC_000020.10:g.(?_3190178)_(3903961_?)dup

Genes: ADAM33 (ADAM metallopeptidase domain 33; minus strand), ADISSP (adipose secreted signaling protein; minus strand), AP5S1 (adaptor related protein complex 5 subunit sigma 1; plus strand), ATRN (attractin; plus strand), CDC25B (cell division cycle 25B; plus strand) and 11 more. Cytogenetic location: 20p13.
Variant type: Duplication.
Identifiers: ClinVar variation 1054510 (VCV001054510.1).

ClinVar aggregate classification (germline): Uncertain significance (1 of 4 stars; one submission).

Conditions:
Inosine triphosphatase deficiency. Also called: INOSINE TRIPHOSPHATE PYROPHOSPHOHYDROLASE DEFICIENCY. Identifiers: MedGen C0342800, MONDO:0013461, OMIM 613850.

Submission:

Labcorp Genetics (formerly Invitae), Labcorp
Classification: Uncertain significance for Inosine triphosphatase deficiency. Last evaluated: 2020-05-04. Review status: criteria provided, single submitter. Criteria: Invitae Variant Classification Sherloc (09022015). Collection method: clinical testing. Allele origin: germline.
Comment: This variant results in a copy number gain of the genomic region encompassing the full coding sequence of the ITPA gene. The boundaries of this event are unknown as they extend beyond the assayed region for this gene and therefore may encompass additional genes. As the precise location of this event is unknown, it may be in tandem or it may be located elsewhere in the genome. This variant has not been reported in the literature in individuals with ITPA-related conditions. Experimental studies and prediction algorithms are not available for this variant, and the functional significance of the affected amino acid(s) is currently unknown. In summary, the available evidence is currently insufficient to determine the role of this variant in disease. Therefore, it has been classified as a Variant of Uncertain Significance.